The following is an entry in ClinVar:

ClinVar aggregate classification (germline): Uncertain significance (1 of 4 stars; one submission).

Submission:

GeneDx
Classification: Uncertain significance. Last evaluated: 2025-08-04. Review status: criteria provided, single submitter. Criteria: GeneDx Variant Classification Process June 2021. Collection method: clinical testing. Allele origin: germline.
Comment: Has not been previously published as pathogenic or benign to our knowledge; Not observed at significant frequency in large population cohorts (gnomAD); In silico analysis supports that this missense variant has a deleterious effect on protein structure/function

NM_002430.3(MN1):c.2662C>T (p.Pro888Ser)

Gene: MN1 (MN1 proto-oncogene, transcriptional regulator; minus strand). Cytogenetic location: 22q12.1.
Variant type: single nucleotide variant.
Coding change: c.2662C>T on transcript NM_002430.3 (MANE Select); coding-DNA position 2662, C replaced by T.
Protein change: p.Pro888Ser; replaces proline 888 with serine.
Molecular consequence: missense variant.
Genome position (GRCh38, 1-based): chr22:27,797,882, G>A on the plus strand (C>T on the coding strand, the complement: MN1 is on the minus strand). VCF-style: chr22-27797882-G-A. GRCh37 (hg19) VCF-style: chr22-28193870-G-A.
Other names: short protein forms P888S.
Identifiers: ClinVar variation 3363853 (VCV003363853.2).